The following is an entry in ClinVar:

NM_000810.4(GABRA5):c.725-637C>T

Gene: GABRA5 (gamma-aminobutyric acid type A receptor subunit alpha5; plus strand). Cytogenetic location: 15q12.
Variant type: single nucleotide variant.
Coding change: c.725-637C>T on transcript NM_000810.4 (MANE Select); 637 bases into the intron before coding-DNA position 725, C replaced by T.
Molecular consequence: intron variant.
Genome position (GRCh38, 1-based): chr15:26,939,288, C>T. VCF-style: chr15-26939288-C-T. GRCh37 (hg19) VCF-style: chr15-27184435-C-T.
Other names: c.725-637C>T (NM_001165037.2).
Identifiers: ClinVar variation 3255248 (VCV003255248.2), dbSNP rs12910925.
Genomic context (GRCh38, chr15:26,939,288, plus strand): 5'-GCTCCTTACCAGTTCACCGTGAGGACGGCATCATTCTCAGCAATGAATGGGAGGTCTCCT[C>T]GTGCCTCCCACACAGCCAGGCAAATCCAGAGAAGGCACTGGGGCATCGCCAATGAAATGC-3'

ClinVar aggregate classification (germline): Benign (1 of 4 stars; one submission).

Allele frequency attached by ClinVar (database versions not stated): 1000 Genomes Project 30x 0.33214; 1000 Genomes Project 0.33786; TOPMed 0.36621; gnomAD 0.36925; ESP Exome Variant Server 0.37705; ExAC 0.42410; gnomAD exomes 0.43650.
gnomAD v4.1: 323,958 of 765,032 alleles (42%); highest among the groups gnomAD compares: Middle Eastern, 55%; 72,159 homozygotes.

Submission:

Unidad de Genómica Garrahan, Hospital de Pediatría Garrahan
Classification: Benign. Last evaluated: 2024-07-15. Review status: criteria provided, single submitter. Criteria: ACMG Guidelines, 2015. Collection method: clinical testing. Allele origin: germline. Affected: no. Observed: 63 variant alleles.
Comment: This variant is classified as Benign based on local population frequency. This variant was detected in 68% of patients studied in a panel designed for Epileptic and Developmental Encephalopathy and Progressive Myoclonus Epilepsy. Number of patients: 63. Only high quality variants are reported.